The following is an entry in ClinVar:

ClinVar aggregate classification (germline): Uncertain significance. Review status: criteria provided, multiple submitters, no conflicts (2 of 4 stars). 2 submissions from 2 submitters: Uncertain significance (2). Last evaluated 2025-06-08.

Conditions:
Oligodontia-cancer predisposition syndrome. Also called: TOOTH AGENESIS-COLORECTAL CANCER SYNDROME. Identifiers: Orphanet 300576, MedGen C1837750, MONDO:0012075, OMIM 608615. Disease mechanism: loss of function.

Submissions (2):

Labcorp Genetics (formerly Invitae), Labcorp
Classification: Uncertain significance for Oligodontia-cancer predisposition syndrome. Last evaluated: 2025-06-08. Review status: criteria provided, single submitter. Criteria: Invitae Variant Classification Sherloc (09022015). Collection method: clinical testing. Allele origin: germline.
Comment: This sequence change replaces glutamic acid, which is acidic and polar, with glutamine, which is neutral and polar, at codon 403 of the AXIN2 protein (p.Glu403Gln). This variant is not present in population databases (gnomAD no frequency). This variant has not been reported in the literature in individuals affected with AXIN2-related conditions. ClinVar contains an entry for this variant (Variation ID: 1415797). Invitae Evidence Modeling of protein sequence and biophysical properties (such as structural, functional, and spatial information, amino acid conservation, physicochemical variation, residue mobility, and thermodynamic stability) has been performed for this missense variant. However, the output from this modeling did not meet the statistical confidence thresholds required to predict the impact of this variant on AXIN2 protein function. In summary, the available evidence is currently insufficient to determine the role of this variant in disease. Therefore, it has been classified as a Variant of Uncertain Significance.

Center for Genomic Medicine, Rigshospitalet, Copenhagen University Hospital
Classification: Uncertain significance. Last evaluated: 2025-03-04. Review status: criteria provided, single submitter. Criteria: ACMG Guidelines, 2015. Collection method: clinical testing. Allele origin: germline.

NM_004655.4(AXIN2):c.1207G>C (p.Glu403Gln)

Gene: AXIN2 (axin 2; minus strand). Cytogenetic location: 17q24.1.
Variant type: single nucleotide variant.
Coding change: c.1207G>C on transcript NM_004655.4 (MANE Select); coding-DNA position 1207, G replaced by C.
Protein change: p.Glu403Gln; replaces glutamic acid 403 with glutamine.
Molecular consequence: missense variant.
Genome position (GRCh38, 1-based): chr17:65,537,829, C>G on the plus strand (G>C on the coding strand, the complement: AXIN2 is on the minus strand). VCF-style: chr17-65537829-C-G. GRCh37 (hg19) VCF-style: chr17-63533947-C-G.
Other names: c.1207G>C, p.Glu403Gln (NM_001363813.1); short protein forms E403Q.
Identifiers: ClinVar variation 1415797 (VCV001415797.8), dbSNP rs1196309364, ClinGen allele CA400677965.
Genomic context (GRCh38, chr17:65,537,829, plus strand): 5'-GGGGGTGCTGCGTGGGCGCCCCCTCCCGCGAATTGAGTGTGAGCTCGGAGCCCTCTCTCT[C>G]TTCATCCTGAAAGGGAAGACGTCAGAAGGAGAAGTGACCCAGGAAGCAGAAGGGCCAGAG-3'
Protein context (NP_004646.3, residues 393-413): ERLQQIREDE[Glu403Gln]REGSELTLNS